The following is an entry in ClinVar:

ClinVar aggregate classification (germline): Uncertain significance (1 of 4 stars; one submission).

Allele frequency attached by ClinVar (database versions not stated): gnomAD exomes below 0.00001.

Submission:

Labcorp Genetics (formerly Invitae), Labcorp
Classification: Uncertain significance. Last evaluated: 2023-03-16. Review status: criteria provided, single submitter. Criteria: Invitae Variant Classification Sherloc (09022015). Collection method: clinical testing. Allele origin: germline.
Comment: This variant has not been reported in the literature in individuals affected with GATA5-related conditions. This variant is not present in population databases (gnomAD no frequency). This sequence change replaces aspartic acid, which is acidic and polar, with asparagine, which is neutral and polar, at codon 352 of the GATA5 protein (p.Asp352Asn). Advanced modeling of protein sequence and biophysical properties (such as structural, functional, and spatial information, amino acid conservation, physicochemical variation, residue mobility, and thermodynamic stability) performed at Invitae indicates that this missense variant is not expected to disrupt GATA5 protein function. In summary, the available evidence is currently insufficient to determine the role of this variant in disease. Therefore, it has been classified as a Variant of Uncertain Significance.

NM_080473.5(GATA5):c.1054G>A (p.Asp352Asn)

Gene: GATA5 (GATA binding protein 5; minus strand). Cytogenetic location: 20q13.33.
Variant type: single nucleotide variant.
Coding change: c.1054G>A on transcript NM_080473.5 (MANE Select); coding-DNA position 1054, G replaced by A.
Protein change: p.Asp352Asn; replaces aspartic acid 352 with asparagine.
Molecular consequence: missense variant.
Genome position (GRCh38, 1-based): chr20:62,464,976, C>T on the plus strand (G>A on the coding strand, the complement: GATA5 is on the minus strand). VCF-style: chr20-62464976-C-T. GRCh37 (hg19) VCF-style: chr20-61040032-C-T.
Other names: short protein forms D352N.
Identifiers: ClinVar variation 2844172 (VCV002844172.3), dbSNP rs1989542816, ClinGen allele CA409552022.
Genomic context (GRCh38, chr20:62,464,976, plus strand): 5'-GGAAGGCAAAGTCCTCAGGCTCGAACTTGAACTCCAAGTGGCCGGGGGCAAGAGAGTCAT[C>T]CTCCTGGCCAGAGGCCTGCAGGGACAGGAGAGCGTGAGAATGTGGGGTGGGGCGTGGGGC-3'
Protein context (NP_536721.1, residues 342-362): SMAPQASGQE[Asp352Asn]DSLAPGHLEF